The following is an entry in ClinVar:

NM_001111125.3(IQSEC2):c.2475G>C (p.Glu825Asp)

Gene: IQSEC2 (IQ motif and Sec7 domain ArfGEF 2; minus strand). Cytogenetic location: Xp11.22.
Variant type: single nucleotide variant.
Coding change: c.2475G>C on transcript NM_001111125.3 (MANE Select); coding-DNA position 2475, G replaced by C.
Protein change: p.Glu825Asp; replaces glutamic acid 825 with aspartic acid.
Molecular consequence: missense variant.
Genome position (GRCh38, 1-based): chrX:53,248,221, C>G on the plus strand (G>C on the coding strand, the complement: IQSEC2 is on the minus strand). VCF-style: chrX-53248221-C-G. GRCh37 (hg19) VCF-style: chrX-53277403-C-G.
Other names: c.2475G>C, p.Glu825Asp (NM_001410736.1); c.1860G>C, p.Glu620Asp (NM_015075.2); short protein forms E620D, E825D.
Identifiers: ClinVar variation 1810464 (VCV001810464.1), dbSNP rs2519781346, ClinGen allele CA413157429.
Genomic context (GRCh38, chrX:53,248,221, plus strand): 5'-CCGGATATGGGACTGGAACTTCCGGAGCGCATCATCCAGATCCATGGAGGAGAAGTCCAT[C>G]TCATCCACCACACAGCTAAGGAGCAAAGAAGGAGGTGTGGCGCTTTCAATTCCTCTGCAG-3'
Protein context (NP_001104595.1, residues 815-835): NRDVLDCVVD[Glu825Asp]MDFSSMDLDD

ClinVar aggregate classification (germline): Uncertain significance (1 of 4 stars; one submission).

Submission:

GeneDx
Classification: Uncertain significance. Last evaluated: 2022-07-08. Review status: criteria provided, single submitter. Criteria: GeneDx Variant Classification Process June 2021. Collection method: clinical testing. Allele origin: germline. Affected: yes.
Comment: Not observed at significant frequency in large population cohorts (gnomAD); In silico analysis supports that this missense variant has a deleterious effect on protein structure/function; Has not been previously published as pathogenic or benign to our knowledge; This variant is associated with the following publications: (PMID: 20473311)